The following is an entry in ClinVar:

NM_002474.3(MYH11):c.2375C>T (p.Ala792Val)

Gene: MYH11 (myosin heavy chain 11; minus strand). Cytogenetic location: 16p13.11.
Variant type: single nucleotide variant.
Coding change: c.2375C>T on transcript NM_002474.3 (MANE Select); coding-DNA position 2375, C replaced by T.
Protein change: p.Ala792Val; replaces alanine 792 with valine.
Molecular consequence: missense variant.
Genome position (GRCh38, 1-based): chr16:15,747,606, G>A on the plus strand (C>T on the coding strand, the complement: MYH11 is on the minus strand). VCF-style: chr16-15747606-G-A. GRCh37 (hg19) VCF-style: chr16-15841463-G-A.
Other names: c.2396C>T, p.Ala799Val (NM_001040113.2, NM_001040114.2); c.2375C>T, p.Ala792Val (NM_022844.3); short protein forms A792V, A799V.
Identifiers: ClinVar variation 1698341 (VCV001698341.2), dbSNP rs2151259967, ClinGen allele CA394867198.

ClinVar aggregate classification (germline): Uncertain significance (1 of 4 stars; one submission).

gnomAD v4.1: 1 of 1,614,118 alleles (0.000062%); highest among the groups gnomAD compares: Non-Finnish European, 0.000085%; no homozygotes.

Submission:

GeneDx
Classification: Uncertain significance. Last evaluated: 2022-01-24. Review status: criteria provided, single submitter. Criteria: GeneDx Variant Classification Process June 2021. Collection method: clinical testing. Allele origin: germline. Affected: yes.
Comment: Has not been previously published as pathogenic or benign to our knowledge; Not observed at significant frequency in large population cohorts (gnomAD); In silico analysis supports that this missense variant does not alter protein structure/function